The following is an entry in ClinVar:

ClinVar aggregate classification (germline): Uncertain significance (1 of 4 stars; one submission).

Submission:

Ambry Genetics
Classification: Uncertain significance. Last evaluated: 2022-05-24. Review status: criteria provided, single submitter. Criteria: Ambry Variant Classification Scheme 2023. Collection method: clinical testing. Allele origin: germline.
Comment: The p.D835V variant (also known as c.2504A>T), located in coding exon 1 of the MLH3 gene, results from an A to T substitution at nucleotide position 2504. The aspartic acid at codon 835 is replaced by valine, an amino acid with highly dissimilar properties. This amino acid position is conserved. In addition, this alteration is predicted to be tolerated by in silico analysis. Since supporting evidence is limited at this time, the clinical significance of this alteration remains unclear.

NM_001040108.2(MLH3):c.2504A>T (p.Asp835Val)

Gene: MLH3 (mutL homolog 3; minus strand). Cytogenetic location: 14q24.3.
Variant type: single nucleotide variant.
Coding change: c.2504A>T on transcript NM_001040108.2 (MANE Select); coding-DNA position 2504, A replaced by T.
Protein change: p.Asp835Val; replaces aspartic acid 835 with valine.
Molecular consequence: missense variant.
Genome position (GRCh38, 1-based): chr14:75,047,152, T>A on the plus strand (A>T on the coding strand, the complement: MLH3 is on the minus strand). VCF-style: chr14-75047152-T-A. GRCh37 (hg19) VCF-style: chr14-75513855-T-A.
Other names: c.2504A>T, p.Asp835Val (NM_014381.3); short protein forms D835V.
Identifiers: ClinVar variation 1792289 (VCV001792289.2), dbSNP rs2503268489, ClinGen allele CA390440132.